The following is an entry in ClinVar:

NM_001267550.2(TTN):c.101489T>C (p.Phe33830Ser)

Genes: TTN-AS1 (TTN antisense RNA 1; plus strand), TTN (titin; minus strand). Cytogenetic location: 2q31.2.
Variant type: single nucleotide variant.
Coding change: c.101489T>C on transcript NM_001267550.2 (MANE Select); coding-DNA position 101489, T replaced by C.
Protein change: p.Phe33830Ser; replaces phenylalanine 33830 with serine.
Molecular consequence: missense variant.
Genome position (GRCh38, 1-based): chr2:178,535,126, A>G on the plus strand (T>C on the coding strand, the complement: TTN is on the minus strand). VCF-style: chr2-178535126-A-G. GRCh37 (hg19) VCF-style: chr2-179399853-A-G.
Other names: c.96566T>C, p.Phe32189Ser (NM_001256850.1); c.74294T>C, p.Phe24765Ser (NM_003319.4); c.93785T>C, p.Phe31262Ser (NM_133378.4); c.74669T>C, p.Phe24890Ser (NM_133432.3); c.74870T>C, p.Phe24957Ser (NM_133437.4); short protein forms F24765S, F24890S, F24957S, F31262S, F32189S, F33830S.
Identifiers: ClinVar variation 3763983 (VCV003763983.2).
Genomic context (GRCh38, chr2:178,535,126, plus strand): 5'-ACAAATTTGGCCATGTATGTCTTCTTTGAGGATGTTTCAACACAACGATGGACAATTCCA[A>G]ACTCACCACGCCCAAGATCTTCAGCAATCATATATTTCTCATAGAGTTCCTTGGTTGAAG-3'
Protein context (NP_001254479.2, residues 33820-33840): MIAEDLGRGE[Phe33830Ser]GIVHRCVETS

ClinVar aggregate classification (germline): Uncertain significance (1 of 4 stars; one submission).

Conditions:
Autosomal recessive limb-girdle muscular dystrophy type 2J (LGMDR10). Also called: Limb-girdle muscular dystrophy, type 2J; MUSCULAR DYSTROPHY, LIMB-GIRDLE, AUTOSOMAL RECESSIVE 10. Identifiers: Orphanet 140922, MedGen C1837342, MONDO:0012127, OMIM 608807.
Dilated cardiomyopathy 1G (CMD1G). Identifiers: Orphanet 154, MedGen C1858763, MONDO:0011400, OMIM 604145.

Submission:

Labcorp Genetics (formerly Invitae), Labcorp
Classification: Uncertain significance for Dilated cardiomyopathy 1G; Autosomal recessive limb-girdle muscular dystrophy type 2J. Last evaluated: 2025-01-20. Review status: criteria provided, single submitter. Criteria: Invitae Variant Classification Sherloc (09022015). Collection method: clinical testing. Allele origin: germline.
Comment: This sequence change replaces phenylalanine, which is neutral and non-polar, with serine, which is neutral and polar, at codon 33830 of the TTN protein (p.Phe33830Ser). This variant is not present in population databases (gnomAD no frequency). This variant has not been reported in the literature in individuals affected with TTN-related conditions. Experimental studies and prediction algorithms are not available or were not evaluated, and the functional significance of this variant is currently unknown. This variant is located in the M band of TTN (PMID: 25589632). Non-truncating variants in this region may be relevant for neuromuscular disorders, but have not been definitively shown to cause cardiomyopathy (PMID: 23975875). In summary, the available evidence is currently insufficient to determine the role of this variant in disease. Therefore, it has been classified as a Variant of Uncertain Significance.

Literature cited by the submitters: PubMed 25589632; PubMed 23975875.